The following is an entry in ClinVar:

NM_004341.5(CAD):c.1222C>T (p.Gln408Ter)

Gene: CAD (carbamoyl-phosphate synthetase 2, aspartate transcarbamylase, and dihydroorotase; plus strand). Cytogenetic location: 2p23.3.
Variant type: single nucleotide variant.
Coding change: c.1222C>T on transcript NM_004341.5 (MANE Select); coding-DNA position 1222, C replaced by T.
Protein change: p.Gln408Ter; replaces glutamine 408 with a stop codon.
Molecular consequence: nonsense.
Genome position (GRCh38, 1-based): chr2:27,224,458, C>T. VCF-style: chr2-27224458-C-T. GRCh37 (hg19) VCF-style: chr2-27447326-C-T.
Other names: c.1222C>T, p.Gln408Ter (NM_001306079.2); short protein forms Q408*.
Identifiers: ClinVar variation 2861610 (VCV002861610.3), dbSNP rs2465296645, ClinGen allele CA346203862.

ClinVar aggregate classification (germline): Pathogenic (1 of 4 stars; one submission).

Submission:

Labcorp Genetics (formerly Invitae), Labcorp
Classification: Pathogenic. Last evaluated: 2023-05-02. Review status: criteria provided, single submitter. Criteria: Invitae Variant Classification Sherloc (09022015). Collection method: clinical testing. Allele origin: germline.
Comment: For these reasons, this variant has been classified as Pathogenic. This variant has not been reported in the literature in individuals affected with CAD-related conditions. This variant is not present in population databases (gnomAD no frequency). This sequence change creates a premature translational stop signal (p.Gln408*) in the CAD gene. It is expected to result in an absent or disrupted protein product. Loss-of-function variants in CAD are known to be pathogenic (PMID: 28007989, 32117025, 32820246, 33497533).

Literature cited by the submitters: PubMed 28007989; PubMed 32117025; PubMed 32820246; PubMed 33497533.